The following is an entry in ClinVar:

NM_006129.5(BMP1):c.604G>C (p.Gly202Arg)

Gene: BMP1 (bone morphogenetic protein 1; plus strand). Cytogenetic location: 8p21.3.
Variant type: single nucleotide variant.
Coding change: c.604G>C on transcript NM_006129.5 (MANE Select); coding-DNA position 604, G replaced by C.
Protein change: p.Gly202Arg; replaces glycine 202 with arginine.
Molecular consequence: missense variant. On other transcripts: non-coding transcript variant (2).
Genome position (GRCh38, 1-based): chr8:22,177,013, G>C. VCF-style: chr8-22177013-G-C. GRCh37 (hg19) VCF-style: chr8-22034526-G-C.
Other names: c.604G>C, p.Gly202Arg (NM_001199.4); short protein forms G202R.
Identifiers: ClinVar variation 4687261 (VCV004687261.1).

ClinVar aggregate classification (germline): Uncertain significance (1 of 4 stars; one submission).

Submission:

Women's Health and Genetics/Laboratory Corporation of America, LabCorp
Classification: Uncertain significance. Last evaluated: 2025-10-15. Review status: criteria provided, single submitter. Criteria: LabCorp Variant Classification Summary - May 2015. Collection method: clinical testing. Allele origin: germline.
Comment: Variant summary: BMP1 c.604G>C (p.Gly202Arg) results in a non-conservative amino acid change in the encoded protein sequence. Algorithms developed to predict the effect of missense changes on protein structure and function all suggest that this variant is likely to be disruptive. The variant was absent in 247302 control chromosomes. The available data on variant occurrences in the general population are insufficient to allow any conclusion about variant significance. To our knowledge, no occurrence of c.604G>C in individuals affected with BMP1-related conditions and no experimental evidence demonstrating its impact on protein function have been reported. No submitters have cited clinical-significance assessments for this variant to ClinVar. Based on the evidence outlined above, the variant was classified as uncertain significance.